The following is an entry in ClinVar:

ClinVar aggregate classification (germline): Likely benign (0 of 4 stars; one submission).

Conditions:
EPHB2-related disorder. Also called: EPHB2-related condition.

Allele frequency attached by ClinVar (database versions not stated): gnomAD exomes below 0.00001; ExAC 0.00002; gnomAD 0.00005; TOPMed 0.00006; ESP Exome Variant Server 0.00008.
gnomAD v4.1: 11 of 1,614,142 alleles (0.00068%); highest among the groups gnomAD compares: African/African-American, 0.012%; no homozygotes.

Submission:

PreventionGenetics, part of Exact Sciences
Classification: Likely benign for EPHB2-related condition. Last evaluated: 2023-07-26. Review status: no assertion criteria provided. Collection method: clinical testing. Allele origin: germline.
Comment: This variant is classified as likely benign based on ACMG/AMP sequence variant interpretation guidelines (Richards et al. 2015 PMID: 25741868, with internal and published modifications).

NM_017449.5(EPHB2):c.2265C>T (p.Asn755=)

Gene: EPHB2 (EPH receptor B2; plus strand). Cytogenetic location: 1p36.12.
Variant type: single nucleotide variant.
Coding change: c.2265C>T on transcript NM_017449.5 (MANE Select); coding-DNA position 2265, C replaced by T.
Protein change: p.Asn755=; no amino-acid change (asparagine 755 retained).
Molecular consequence: synonymous variant.
Genome position (GRCh38, 1-based): chr1:22,908,081, C>T. VCF-style: chr1-22908081-C-T. GRCh37 (hg19) VCF-style: chr1-23234574-C-T.
Other names: c.2091C>T, p.Asn697= (NM_001309192.2); c.2265C>T, p.Asn755= (NM_001309193.2); c.2268C>T, p.Asn756= (NM_004442.7).
Identifiers: ClinVar variation 3036596 (VCV003036596.2), dbSNP rs141476431, ClinGen allele CA678911.